The following is an entry in ClinVar:

ClinVar aggregate classification (germline): Benign. Review status: criteria provided, single submitter (1 of 4 stars). 2 submissions from 2 submitters: Benign (1). 1 of the submissions does not count toward it. Last evaluated 2025-01-19.

Conditions:
PHIP-related disorder. Also called: PHIP-related disorders; PHIP-related condition.

Allele frequency attached by ClinVar (database versions not stated): ExAC 0.00001; gnomAD 0.00001; gnomAD exomes 0.00003; TOPMed 0.00003.
gnomAD v4.1: 42 of 1,590,622 alleles (0.0026%); highest among the groups gnomAD compares: Non-Finnish European, 0.0033%; no homozygotes.

Submissions (2):

Labcorp Genetics (formerly Invitae), Labcorp
Classification: Benign. Last evaluated: 2025-01-19. Review status: criteria provided, single submitter. Criteria: Invitae Variant Classification Sherloc (09022015). Collection method: clinical testing. Allele origin: germline.

PreventionGenetics, part of Exact Sciences
Classification: Uncertain significance for PHIP-related condition. Last evaluated: 2024-08-26. Review status: no assertion criteria provided. Collection method: clinical testing. Allele origin: germline. Not counted in ClinVar's aggregate classification.
Comment: The PHIP c.4288C>T variant is predicted to result in the amino acid substitution p.Arg1430Cys. To our knowledge, this variant has not been reported in the literature. This variant is reported in 0.010% of alleles in individuals of Ashkenazi Jewish descent in gnomAD. At this time, the clinical significance of this variant is uncertain due to the absence of conclusive functional and genetic evidence.

NM_017934.7(PHIP):c.4288C>T (p.Arg1430Cys)

Genes: IRAK1BP1 (interleukin 1 receptor associated kinase 1 binding protein 1; plus strand), PHIP (PHIP subunit of CUL4-Ring ligase complex; minus strand). Cytogenetic location: 6q14.1.
Variant type: single nucleotide variant.
Coding change: c.4288C>T on transcript NM_017934.7 (MANE Select); coding-DNA position 4288, C replaced by T.
Protein change: p.Arg1430Cys; replaces arginine 1430 with cysteine.
Molecular consequence: missense variant.
Genome position (GRCh38, 1-based): chr6:78,946,793, G>A on the plus strand (C>T on the coding strand, the complement: PHIP is on the minus strand). VCF-style: chr6-78946793-G-A. GRCh37 (hg19) VCF-style: chr6-79656510-G-A.
Other names: c.4288C>T (NM_017934.6); short protein forms R1430C.
Identifiers: ClinVar variation 2091930 (VCV002091930.5), dbSNP rs746486726, ClinGen allele CA3899477.
Genomic context (GRCh38, chr6:78,946,793, plus strand): 5'-CAGAGCTGCTTCTGTTTCTTTTCTTCCTCCTTTTGGTTATGGTATTTCTTTTATGAAAAC[G>A]AAGAGCAGATTTATAATCTGATAAAACTGAACTAATGTGTTCTTCAAAGAAAGCAGACAG-3'
Protein context (NP_060404.4, residues 1420-1440): SVLSDYKSAL[Arg1430Cys]FHKRNTITKR